The following is an entry in ClinVar:

ClinVar aggregate classification (germline): Uncertain significance. Review status: criteria provided, multiple submitters, no conflicts (2 of 4 stars). 2 submissions from 2 submitters: Uncertain significance (2). Last evaluated 2025-12-01.

Allele frequency attached by ClinVar (database versions not stated): gnomAD exomes 0.00007 and 0.00008; gnomAD 0.00008 and 0.00009; TOPMed 0.00011; ExAC 0.00012.
gnomAD v4.1: 110 of 1,547,390 alleles (0.0071%); highest among the groups gnomAD compares: South Asian, 0.017%; 1 homozygote.

Submissions (2):

Labcorp Genetics (formerly Invitae), Labcorp
Classification: Uncertain significance. Last evaluated: 2025-12-01. Review status: criteria provided, single submitter. Criteria: Invitae Variant Classification Sherloc (09022015). Collection method: clinical testing. Allele origin: germline.
Comment: This sequence change replaces arginine, which is basic and polar, with glutamine, which is neutral and polar, at codon 290 of the TNFRSF6B protein (p.Arg290Gln). This variant is present in population databases (rs757741103, gnomAD 0.03%). This variant has not been reported in the literature in individuals affected with TNFRSF6B-related conditions. ClinVar contains an entry for this variant (Variation ID: 1380187). An algorithm developed to predict the effect of missense changes on protein structure and function (PolyPhen-2) suggests that this variant is likely to be disruptive. In summary, the available evidence is currently insufficient to determine the role of this variant in disease. Therefore, it has been classified as a Variant of Uncertain Significance.

Ambry Genetics
Classification: Uncertain significance. Last evaluated: 2023-12-09. Review status: criteria provided, single submitter. Criteria: Ambry Variant Classification Scheme 2023. Collection method: clinical testing. Allele origin: germline.

NM_003823.4(TNFRSF6B):c.869G>A (p.Arg290Gln)

Genes: RTEL1-TNFRSF6B (RTEL1-TNFRSF6B readthrough (NMD candidate); plus strand), TNFRSF6B (TNF receptor superfamily member 6b; plus strand). Cytogenetic location: 20q13.33.
Variant type: single nucleotide variant.
Coding change: c.869G>A on transcript NM_003823.4 (MANE Select); coding-DNA position 869, G replaced by A.
Protein change: p.Arg290Gln; replaces arginine 290 with glutamine.
Molecular consequence: missense variant. On other transcripts: non-coding transcript variant (1).
Genome position (GRCh38, 1-based): chr20:63,698,529, G>A. VCF-style: chr20-63698529-G-A. GRCh37 (hg19) VCF-style: chr20-62329882-G-A.
Other names: c.869G>A (NM_003823.3); short protein forms R290Q.
Identifiers: ClinVar variation 1380187 (VCV001380187.9), dbSNP rs757741103, ClinGen allele CA9966651.